The following is an entry in ClinVar:

NM_001376.5(DYNC1H1):c.11597T>A (p.Val3866Glu)

Gene: DYNC1H1 (dynein cytoplasmic 1 heavy chain 1; plus strand). Cytogenetic location: 14q32.31.
Variant type: single nucleotide variant.
Coding change: c.11597T>A on transcript NM_001376.5 (MANE Select); coding-DNA position 11597, T replaced by A.
Protein change: p.Val3866Glu; replaces valine 3866 with glutamic acid.
Molecular consequence: missense variant.
Genome position (GRCh38, 1-based): chr14:102,039,639, T>A. VCF-style: chr14-102039639-T-A. GRCh37 (hg19) VCF-style: chr14-102505976-T-A.
Other names: short protein forms V3866E.
Identifiers: ClinVar variation 3339450 (VCV003339450.1).

ClinVar aggregate classification (germline): Uncertain significance (1 of 4 stars; one submission).

Submission:

Women's Health and Genetics/Laboratory Corporation of America, LabCorp
Classification: Uncertain significance. Last evaluated: 2024-07-18. Review status: criteria provided, single submitter. Criteria: LabCorp Variant Classification Summary - May 2015. Collection method: clinical testing. Allele origin: germline.
Comment: Variant summary: DYNC1H1 c.11597T>A (p.Val3866Glu) results in a non-conservative amino acid change in the encoded protein sequence. Three of five in-silico tools predict a benign effect of the variant on protein function. Consensus agreement among computation tools predict no significant impact on normal splicing. However, these predictions have yet to be confirmed by functional studies. The variant was absent in 251488 control chromosomes (gnomAD). The available data on variant occurrences in the general population are insufficient to allow any conclusion about variant significance. To our knowledge, no occurrence of c.11597T>A in individuals affected with DYNC1H1-Related Disorders and no experimental evidence demonstrating its impact on protein function have been reported. No submitters have cited clinical-significance assessments for this variant to ClinVar. Based on the evidence outlined above, the variant was classified as uncertain significance.